The following is an entry in ClinVar:

NM_021074.5(NDUFV2):c.579+308ATC[4]

Genes: NDUFV2 (NADH:ubiquinone oxidoreductase core subunit V2; plus strand), NDUFV2-AS1 (NDUFV2 antisense RNA 1; minus strand). Cytogenetic location: 18p11.22.
Variant type: Microsatellite.
Coding change: c.579+308ATC[4] on transcript NM_021074.5 (MANE Select); four copies in a row of the 3-base unit ATC starting at c.579+308.
Molecular consequence: intron variant.
Genome position: GRCh38 VCF-style: chr18-9125290-TATC-T. GRCh37 (hg19) VCF-style: chr18-9125288-TATC-T.
Identifiers: ClinVar variation 673224 (VCV000673224.1), dbSNP rs150890429, ClinGen allele CA295875895.
Genomic context (GRCh38, chr18:9,125,290, plus strand): 5'-TGTAGCCAACTATCAGGACTTAACTGAGAGTAATATTTTGCCACATTTTACTTCAGATAC[TATC>T]ATCATCATCATCATTTGTAGAAATAAGCTACAGATACAGGTGAAATACTCCATCCCAAAT-3'

ClinVar aggregate classification (germline): Likely benign (1 of 4 stars; one submission).

Submission:

GeneDx
Classification: Likely benign. Last evaluated: 2018-06-14. Review status: criteria provided, single submitter. Criteria: GeneDx Variant Classification (06012015). Collection method: clinical testing. Allele origin: germline. Affected: yes.
Comment: This variant is considered likely benign or benign based on one or more of the following criteria: it is a conservative change, it occurs at a poorly conserved position in the protein, it is predicted to be benign by multiple in silico algorithms, and/or has population frequency not consistent with disease.